The following is an entry in ClinVar:

NM_000234.3(LIG1):c.1962G>C (p.Gln654His)

Gene: LIG1 (DNA ligase 1; minus strand). Cytogenetic location: 19q13.33.
Variant type: single nucleotide variant.
Coding change: c.1962G>C on transcript NM_000234.3 (MANE Select); coding-DNA position 1962, G replaced by C.
Protein change: p.Gln654His; replaces glutamine 654 with histidine.
Molecular consequence: missense variant. On other transcripts: non-coding transcript variant (6).
Genome position (GRCh38, 1-based): chr19:48,127,319, C>G on the plus strand (G>C on the coding strand, the complement: LIG1 is on the minus strand). VCF-style: chr19-48127319-C-G. GRCh37 (hg19) VCF-style: chr19-48630576-C-G.
Other names: c.1869G>C, p.Gln623His (NM_001289063.2); c.1758G>C, p.Gln586His (NM_001289064.2); c.1959G>C, p.Gln653His (NM_001320970.2); c.1872G>C, p.Gln624His (NM_001320971.2); c.1962G>C (NM_000234.1); short protein forms Q623H, Q653H, Q586H, Q654H, Q624H.
Identifiers: ClinVar variation 1493408 (VCV001493408.7), dbSNP rs2033733870, ClinGen allele CA406644960.

ClinVar aggregate classification (germline): Uncertain significance. Review status: criteria provided, multiple submitters, no conflicts (2 of 4 stars). 2 submissions from 2 submitters: Uncertain significance (2). Last evaluated 2024-03-04.

Allele frequency attached by ClinVar (database versions not stated): gnomAD exomes below 0.00001; TOPMed 0.00002; gnomAD 0.00003.
gnomAD v4.1: 6 of 1,613,732 alleles (0.00037%); highest among the groups gnomAD compares: Admixed American, 0.0083%; no homozygotes.

Submissions (2):

Ambry Genetics
Classification: Uncertain significance. Last evaluated: 2024-03-04. Review status: criteria provided, single submitter. Criteria: Ambry Variant Classification Scheme 2023. Collection method: clinical testing. Allele origin: germline.

Labcorp Genetics (formerly Invitae), Labcorp
Classification: Uncertain significance. Last evaluated: 2023-12-11. Review status: criteria provided, single submitter. Criteria: Invitae Variant Classification Sherloc (09022015). Collection method: clinical testing. Allele origin: germline.
Comment: This sequence change replaces glutamine, which is neutral and polar, with histidine, which is basic and polar, at codon 654 of the LIG1 protein (p.Gln654His). This variant is not present in population databases (gnomAD no frequency). This variant has not been reported in the literature in individuals affected with LIG1-related conditions. ClinVar contains an entry for this variant (Variation ID: 1493408). An algorithm developed to predict the effect of missense changes on protein structure and function (PolyPhen-2) suggests that this variant is likely to be disruptive. In summary, the available evidence is currently insufficient to determine the role of this variant in disease. Therefore, it has been classified as a Variant of Uncertain Significance.